The following is an entry in ClinVar:

NM_018993.4(RIN2):c.105G>A (p.Met35Ile)

Gene: RIN2 (Ras and Rab interactor 2; plus strand). Cytogenetic location: 20p11.23.
Variant type: single nucleotide variant.
Coding change: c.105G>A on transcript NM_018993.4 (MANE Select); coding-DNA position 105, G replaced by A.
Protein change: p.Met35Ile; replaces methionine 35 with isoleucine.
Molecular consequence: missense variant. On other transcripts: 5 prime UTR variant (1).
Genome position (GRCh38, 1-based): chr20:19,935,146, G>A. VCF-style: chr20-19935146-G-A. GRCh37 (hg19) VCF-style: chr20-19915790-G-A.
Other names: c.252G>A, p.Met84Ile (NM_001242581.2); c.-441G>A (NM_001378238.1); short protein forms M35I, M84I.
Identifiers: ClinVar variation 2195378 (VCV002195378.1), dbSNP rs2040586976, ClinGen allele CA408486709.

ClinVar aggregate classification (germline): Uncertain significance (1 of 4 stars; one submission).

Allele frequency attached by ClinVar (database versions not stated): gnomAD 0.00001.
gnomAD v4.1: 2 of 1,604,772 alleles (0.00012%); highest among the groups gnomAD compares: Admixed American, 0.0034%; no homozygotes.

Submission:

Labcorp Genetics (formerly Invitae), Labcorp
Classification: Uncertain significance. Last evaluated: 2022-07-01. Review status: criteria provided, single submitter. Criteria: Invitae Variant Classification Sherloc (09022015). Collection method: clinical testing. Allele origin: germline.
Comment: This sequence change replaces methionine, which is neutral and non-polar, with isoleucine, which is neutral and non-polar, at codon 35 of the RIN2 protein (p.Met35Ile). This variant is not present in population databases (gnomAD no frequency). This variant has not been reported in the literature in individuals affected with RIN2-related conditions. Algorithms developed to predict the effect of missense changes on protein structure and function are either unavailable or do not agree on the potential impact of this missense change (SIFT: "Tolerated"; PolyPhen-2: "Not Available"; Align-GVGD: "Class C0"). In summary, the available evidence is currently insufficient to determine the role of this variant in disease. Therefore, it has been classified as a Variant of Uncertain Significance.